The following is an entry in ClinVar:

NM_000243.3(MEFV):c.1783G>A (p.Ala595Thr)

Genes: MEFV (MEFV innate immunity regulator, pyrin; minus strand), LOC126862264 (CDK7 strongly-dependent group 2 enhancer GRCh37_chr16:3293322-3294521; plus strand). Cytogenetic location: 16p13.3.
Variant type: single nucleotide variant.
Coding change: c.1783G>A on transcript NM_000243.3 (MANE Select); coding-DNA position 1783, G replaced by A.
Protein change: p.Ala595Thr; replaces alanine 595 with threonine.
Molecular consequence: missense variant.
Genome position (GRCh38, 1-based): chr16:3,243,869, C>T on the plus strand (G>A on the coding strand, the complement: MEFV is on the minus strand). VCF-style: chr16-3243869-C-T. GRCh37 (hg19) VCF-style: chr16-3293869-C-T.
Other names: c.1325G>A, p.Gly442Asp (NM_001198536.2); short protein forms A595T, G442D.
Identifiers: ClinVar variation 857323 (VCV000857323.13), dbSNP rs369069000, ClinGen allele CA7859925.

ClinVar aggregate classification (germline): Uncertain significance. Review status: criteria provided, single submitter (1 of 4 stars). 3 submissions from 3 submitters: Uncertain significance (1). 2 of the submissions do not count toward it. Last evaluated 2025-01-06.

Conditions:
Familial Mediterranean fever (FMF). Also called: POLYSEROSITIS, FAMILIAL PAROXYSMAL; POLYSEROSITIS, RECURRENT; Periodic peritonitis; Benign paroxysmal peritonitis. Identifiers: Orphanet 342, MedGen C0031069, MONDO:0018088, OMIM 249100. Disease mechanism: gain of function.
MEFV-related disorder. Also called: MEFV-related disorders; MEFV-related condition.

Allele frequency attached by ClinVar (database versions not stated): gnomAD exomes 0.00001; ExAC 0.00002; ESP Exome Variant Server 0.00008; gnomAD 0.00002; TOPMed 0.00005.
gnomAD v4.1: 12 of 1,613,800 alleles (0.00074%); highest among the groups gnomAD compares: African/African-American, 0.016%; no homozygotes.

Submissions (3):

Labcorp Genetics (formerly Invitae), Labcorp
Classification: Uncertain significance for Familial Mediterranean fever. Last evaluated: 2025-01-06. Review status: criteria provided, single submitter. Criteria: Invitae Variant Classification Sherloc (09022015). Collection method: clinical testing. Allele origin: germline.
Comment: This sequence change replaces alanine, which is neutral and non-polar, with threonine, which is neutral and polar, at codon 595 of the MEFV protein (p.Ala595Thr). This variant is present in population databases (rs369069000, gnomAD 0.02%). This variant has not been reported in the literature in individuals affected with MEFV-related conditions. ClinVar contains an entry for this variant (Variation ID: 857323). An algorithm developed to predict the effect of missense changes on protein structure and function outputs the following: PolyPhen-2: "Benign". The threonine amino acid residue is found in multiple mammalian species, which suggests that this missense change does not adversely affect protein function. In summary, the available evidence is currently insufficient to determine the role of this variant in disease. Therefore, it has been classified as a Variant of Uncertain Significance.

PreventionGenetics, part of Exact Sciences
Classification: Uncertain significance for MEFV-related condition. Last evaluated: 2024-08-23. Review status: no assertion criteria provided. Collection method: clinical testing. Allele origin: germline. Not counted in ClinVar's aggregate classification.
Comment: The MEFV c.1783G>A variant is predicted to result in the amino acid substitution p.Ala595Thr. To our knowledge, this variant has not been reported in the literature. This variant is reported in 0.016% of alleles in individuals of African descent in gnomAD. At this time, the clinical significance of this variant is uncertain due to the absence of conclusive functional and genetic evidence.

Natera, Inc.
Classification: Uncertain significance for Familial Mediterranean fever. Last evaluated: 2020-07-26. Review status: no assertion criteria provided. Collection method: clinical testing. Allele origin: germline. Not counted in ClinVar's aggregate classification.